The following is an entry in ClinVar:

NM_006363.6(SEC23B):c.443A>G (p.Lys148Arg)

Genes: SEC23B (SEC23 homolog B, COPII coat complex component; plus strand), LOC126862987 (MED14-independent group 3 enhancer GRCh37_chr20:18504796-18505995; plus strand). Cytogenetic location: 20p11.23.
Variant type: single nucleotide variant.
Coding change: c.443A>G on transcript NM_006363.6 (MANE Select); coding-DNA position 443, A replaced by G.
Protein change: p.Lys148Arg; replaces lysine 148 with arginine.
Molecular consequence: missense variant.
Genome position (GRCh38, 1-based): chr20:18,524,509, A>G. VCF-style: chr20-18524509-A-G. GRCh37 (hg19) VCF-style: chr20-18505153-A-G.
Other names: c.443A>G, p.Lys148Arg (NM_001172745.3, NM_032985.6, NM_032986.5); c.389A>G, p.Lys130Arg (NM_001172746.3); short protein forms K130R, K148R.
Identifiers: ClinVar variation 3766761 (VCV003766761.1).
Genomic context (GRCh38, chr20:18,524,509, plus strand): 5'-CTCTGATCTTTCTCTATGTGGTTGACACATGCCTGGAGGAAGATGACCTTCAAGCACTCA[A>G]AGAGTCCCTGCAGATGTCCCTGAGTCTTCTTCCTCCAGATGCTCTGGTGGGTCTGATCAC-3'
Protein context (NP_006354.2, residues 138-158): CLEEDDLQAL[Lys148Arg]ESLQMSLSLL

ClinVar aggregate classification (germline): Uncertain significance (1 of 4 stars; one submission).

Submission:

ARUP Laboratories, Molecular Genetics and Genomics, ARUP Laboratories
Classification: Uncertain significance. Last evaluated: 2024-08-05. Review status: criteria provided, single submitter. Criteria: ARUP Molecular Germline Variant Investigation Process 2024. Collection method: clinical testing. Allele origin: germline.
Comment: The SEC23B c.443A>G; p.Lys148Arg variant (rs371842147), to our knowledge, is not reported in the medical literature or gene specific databases. This variant is observed in the general population with an overall allele frequency of 0.001% (4/282794 alleles) in the Genome Aggregation Database (v2.1.1). Computational analyses are uncertain whether this variant is neutral or deleterious (REVEL: 0.518). Due to limited information, the clinical significance of this variant is uncertain at this time.